The following is an entry in ClinVar:

ClinVar aggregate classification (germline): Conflicting classifications of pathogenicity. Review status: criteria provided, conflicting classifications (1 of 4 stars). 3 submissions from 3 submitters: Uncertain significance (1); Likely benign (1). 1 of the submissions does not count toward it. Last evaluated 2024-06-08.

Conditions:
DSG4-related disorder. Also called: DSG4-related condition.
Hypotrichosis 6 (HYPT6). Also called: HYPOTRICHOSIS, LOCALIZED, AUTOSOMAL RECESSIVE 1; MONILETHRIX-LIKE HYPOTRICHOSIS. Identifiers: Orphanet 55654, MedGen C1842839, MONDO:0011932, OMIM 607903.

Allele frequency attached by ClinVar (database versions not stated): 1000 Genomes Project 0.00020; 1000 Genomes Project 30x 0.00031; TOPMed 0.00054; gnomAD exomes 0.00057 and 0.00076; gnomAD 0.00062 and 0.00064; ESP Exome Variant Server 0.00069; ExAC 0.00072.
gnomAD v4.1: 1,199 of 1,614,124 alleles (0.074%); highest among the groups gnomAD compares: Non-Finnish European, 0.09%; no homozygotes.

Submissions (3):

Labcorp Genetics (formerly Invitae), Labcorp
Classification: Likely benign. Last evaluated: 2024-06-08. Review status: criteria provided, single submitter. Criteria: Invitae Variant Classification Sherloc (09022015). Collection method: clinical testing. Allele origin: germline.

Illumina Laboratory Services, Illumina
Classification: Uncertain significance for Hypotrichosis 6. Last evaluated: 2018-01-13. Review status: criteria provided, single submitter. Criteria: ICSL Variant Classification Criteria 13 December 2019. Collection method: clinical testing. Allele origin: germline.

PreventionGenetics, part of Exact Sciences
Classification: Likely benign for DSG4-related condition. Last evaluated: 2020-04-28. Review status: no assertion criteria provided. Collection method: clinical testing. Allele origin: germline. Not counted in ClinVar's aggregate classification.
Comment: This variant is classified as likely benign based on ACMG/AMP sequence variant interpretation guidelines (Richards et al. 2015 PMID: 25741868, with internal and published modifications).

NM_177986.5(DSG4):c.1740A>G (p.Gln580=)

Genes: DSG1-AS1 (DSG1 antisense RNA 1; minus strand), DSG4 (desmoglein 4; plus strand). Cytogenetic location: 18q12.1.
Variant type: single nucleotide variant.
Coding change: c.1740A>G on transcript NM_177986.5 (MANE Select); coding-DNA position 1740, A replaced by G.
Protein change: p.Gln580=; no amino-acid change (glutamine 580 retained).
Molecular consequence: synonymous variant.
Genome position (GRCh38, 1-based): chr18:31,406,180, A>G. VCF-style: chr18-31406180-A-G. GRCh37 (hg19) VCF-style: chr18-28986143-A-G.
Other names: c.1740A>G, p.Gln580= (NM_001134453.3).
Identifiers: ClinVar variation 326440 (VCV000326440.14), dbSNP rs142106072, ClinGen allele CA8927083.